The following is an entry in ClinVar:

ClinVar aggregate classification (germline): Uncertain significance (1 of 4 stars; one submission).

Allele frequency attached by ClinVar (database versions not stated): gnomAD 0.00001; ExAC 0.00003.

Submission:

Labcorp Genetics (formerly Invitae), Labcorp
Classification: Uncertain significance. Last evaluated: 2022-02-19. Review status: criteria provided, single submitter. Criteria: Invitae Variant Classification Sherloc (09022015). Collection method: clinical testing. Allele origin: germline.
Comment: The frequency data for this variant in the population databases is considered unreliable, as metrics indicate poor data quality at this position in the gnomAD database. This sequence change replaces aspartic acid, which is acidic and polar, with asparagine, which is neutral and polar, at codon 312 of the AEBP1 protein (p.Asp312Asn). This variant has not been reported in the literature in individuals affected with AEBP1-related conditions. In summary, the available evidence is currently insufficient to determine the role of this variant in disease. Therefore, it has been classified as a Variant of Uncertain Significance. Algorithms developed to predict the effect of missense changes on protein structure and function are either unavailable or do not agree on the potential impact of this missense change (SIFT: "Deleterious"; PolyPhen-2: "Possibly Damaging"; Align-GVGD: "Class C0").

NM_001129.5(AEBP1):c.934G>A (p.Asp312Asn)

Gene: AEBP1 (AE binding protein 1; plus strand). Cytogenetic location: 7p13.
Variant type: single nucleotide variant.
Coding change: c.934G>A on transcript NM_001129.5 (MANE Select); coding-DNA position 934, G replaced by A.
Protein change: p.Asp312Asn; replaces aspartic acid 312 with asparagine.
Molecular consequence: missense variant.
Genome position (GRCh38, 1-based): chr7:44,108,078, G>A. VCF-style: chr7-44108078-G-A. GRCh37 (hg19) VCF-style: chr7-44147677-G-A.
Other names: short protein forms D312N.
Identifiers: ClinVar variation 1927534 (VCV001927534.3), dbSNP rs773539310, ClinGen allele CA4237678.